The following is an entry in ClinVar:

ClinVar aggregate classification (germline): Uncertain significance (1 of 4 stars; one submission).

Conditions:
3-methylglutaconic aciduria, type VIIB (MGCA7B). Also called: 3-methylglutaconic aciduria with cataracts, neurologic involvement and neutropenia; CLPB Deficiency; 3-methylglutaconic aciduria, type VII, with cataracts, neurologic involvement and neutropenia. Identifiers: Orphanet 445038, MedGen C5676893, MONDO:0014561, OMIM 616271.

gnomAD v4.1: 1 of 1,614,190 alleles (0.000062%); highest among the groups gnomAD compares: African/African-American, 0.0013%; no homozygotes.

Submission:

Labcorp Genetics (formerly Invitae), Labcorp
Classification: Uncertain significance for 3-methylglutaconic aciduria, type VIIB. Last evaluated: 2022-10-21. Review status: criteria provided, single submitter. Criteria: Invitae Variant Classification Sherloc (09022015). Collection method: clinical testing. Allele origin: germline.
Comment: This sequence change replaces threonine, which is neutral and polar, with serine, which is neutral and polar, at codon 689 of the CLPB protein (p.Thr689Ser). This variant is not present in population databases (gnomAD no frequency). This variant has not been reported in the literature in individuals affected with CLPB-related conditions. Algorithms developed to predict the effect of missense changes on protein structure and function output the following: SIFT: "Tolerated"; PolyPhen-2: "Benign"; Align-GVGD: "Class C0". The serine amino acid residue is found in multiple mammalian species, which suggests that this missense change does not adversely affect protein function. In summary, the available evidence is currently insufficient to determine the role of this variant in disease. Therefore, it has been classified as a Variant of Uncertain Significance.

NM_001258392.3(CLPB):c.1976C>G (p.Thr659Ser)

Gene: CLPB (ClpB family mitochondrial disaggregase; minus strand). Cytogenetic location: 11q13.4.
Variant type: single nucleotide variant.
Coding change: c.1976C>G on transcript NM_001258392.3 (MANE Select); coding-DNA position 1976, C replaced by G.
Protein change: p.Thr659Ser; replaces threonine 659 with serine.
Molecular consequence: missense variant.
Genome position (GRCh38, 1-based): chr11:72,293,425, G>C on the plus strand (C>G on the coding strand, the complement: CLPB is on the minus strand). VCF-style: chr11-72293425-G-C. GRCh37 (hg19) VCF-style: chr11-72004469-G-C.
Other names: c.1889C>G, p.Thr630Ser (NM_001258393.3); c.1931C>G, p.Thr644Ser (NM_001258394.3); c.2066C>G, p.Thr689Ser (NM_030813.6); short protein forms T630S, T644S, T659S, T689S.
Identifiers: ClinVar variation 1720124 (VCV001720124.6), dbSNP rs1483881385, ClinGen allele CA381723035.